The following is an entry in ClinVar:

ClinVar aggregate classification (germline): Uncertain significance (1 of 4 stars; one submission).

Conditions:
Cowden syndrome (CS). Also called: Cowden's disease; Cowden's syndrome; Cowden disease. Identifiers: Orphanet 201, MedGen C0018553, MONDO:0016063. Disease mechanism: gain of function.

Allele frequency attached by ClinVar (database versions not stated): gnomAD 0.00001.
gnomAD v4.1: 1 of 1,607,026 alleles (0.000062%); highest among the groups gnomAD compares: African/African-American, 0.0013%; no homozygotes.

Submission:

Labcorp Genetics (formerly Invitae), Labcorp
Classification: Uncertain significance for Cowden syndrome. Last evaluated: 2019-11-12. Review status: criteria provided, single submitter. Criteria: Invitae Variant Classification Sherloc (09022015). Collection method: clinical testing. Allele origin: germline.
Comment: In summary, the available evidence is currently insufficient to determine the role of this variant in disease. Therefore, it has been classified as a Variant of Uncertain Significance. Algorithms developed to predict the effect of missense changes on protein structure and function (SIFT, PolyPhen-2, Align-GVGD) all suggest that this variant is likely to be tolerated, but these predictions have not been confirmed by published functional studies and their clinical significance is uncertain. This variant has not been reported in the literature in individuals with PIK3CA-related conditions. This variant is not present in population databases (ExAC no frequency). This sequence change replaces glutamic acid with lysine at codon 798 of the PIK3CA protein (p.Glu798Lys). The glutamic acid residue is highly conserved and there is a small physicochemical difference between glutamic acid and lysine.

NM_006218.4(PIK3CA):c.2392G>A (p.Glu798Lys)

Gene: PIK3CA (phosphatidylinositol-4,5-bisphosphate 3-kinase catalytic subunit alpha; plus strand). Cytogenetic location: 3q26.32.
Variant type: single nucleotide variant.
Coding change: c.2392G>A on transcript NM_006218.4 (MANE Select); coding-DNA position 2392, G replaced by A.
Protein change: p.Glu798Lys; replaces glutamic acid 798 with lysine.
Molecular consequence: missense variant.
Genome position (GRCh38, 1-based): chr3:179,224,797, G>A. VCF-style: chr3-179224797-G-A. GRCh37 (hg19) VCF-style: chr3-178942585-G-A.
Other names: short protein forms E798K.
Identifiers: ClinVar variation 971035 (VCV000971035.10), dbSNP rs1430412182, ClinGen allele CA355272474.